The following is an entry in ClinVar:

NM_001029883.3(PCARE):c.458del (p.Thr153fs)

Gene: PCARE (photoreceptor cilium actin regulator; minus strand). Cytogenetic location: 2p23.2.
Variant type: Deletion.
Coding change: c.458del on transcript NM_001029883.3 (MANE Select); coding-DNA position 458, one base deleted (C; older notation c.458delC).
Protein change: p.Thr153fs; shifts the reading frame from threonine 153.
Molecular consequence: frameshift variant.
Genome position (GRCh38, 1-based): chr2:29,073,804, G deleted on the plus strand (C on the coding strand, the reverse complement: PCARE is on the minus strand). VCF-style (leftmost placement, unchanged base first): chr2-29073803-CG-C. GRCh37 (hg19) VCF-style: chr2-29296669-CG-C.
Other names: short protein forms T153fs.
Identifiers: ClinVar variation 1397241 (VCV001397241.6), dbSNP rs1381325040, ClinGen allele CA425618366.

ClinVar aggregate classification (germline): Pathogenic (1 of 4 stars; one submission).

Allele frequency attached by ClinVar (database versions not stated): gnomAD exomes 0.00001; TOPMed 0.00001; gnomAD 0.00002.

Submission:

Labcorp Genetics (formerly Invitae), Labcorp
Classification: Pathogenic. Last evaluated: 2025-02-25. Review status: criteria provided, single submitter. Criteria: Invitae Variant Classification Sherloc (09022015). Collection method: clinical testing. Allele origin: germline.
Comment: This sequence change creates a premature translational stop signal (p.Thr153Serfs*29) in the PCARE gene. It is expected to result in an absent or disrupted protein product. Loss-of-function variants in PCARE are known to be pathogenic (PMID: 20398886, 24339724, 26496393). This variant is present in population databases (no rsID available, gnomAD 0.007%). This variant has not been reported in the literature in individuals affected with PCARE-related conditions. ClinVar contains an entry for this variant (Variation ID: 1397241). For these reasons, this variant has been classified as Pathogenic.

Literature cited by the submitters: PubMed 20398886; PubMed 24339724; PubMed 26496393.